The following is an entry in ClinVar:

ClinVar aggregate classification (germline): Uncertain significance (1 of 4 stars; one submission).

gnomAD v4.1: 1 of 1,613,440 alleles (0.000062%); no homozygotes.

Submission:

Labcorp Genetics (formerly Invitae), Labcorp
Classification: Uncertain significance. Last evaluated: 2023-06-11. Review status: criteria provided, single submitter. Criteria: Invitae Variant Classification Sherloc (09022015). Collection method: clinical testing. Allele origin: germline.
Comment: This variant is present in population databases (no rsID available, gnomAD 0.006%). This variant has not been reported in the literature in individuals affected with LTBP4-related conditions. Experimental studies and prediction algorithms are not available or were not evaluated, and the functional significance of this variant is currently unknown. In summary, the available evidence is currently insufficient to determine the role of this variant in disease. Therefore, it has been classified as a Variant of Uncertain Significance. This sequence change replaces glycine, which is neutral and non-polar, with valine, which is neutral and non-polar, at codon 1137 of the LTBP4 protein (p.Gly1137Val).

NM_001042545.2(LTBP4):c.3320G>T (p.Gly1107Val)

Gene: LTBP4 (latent transforming growth factor beta binding protein 4; plus strand). Cytogenetic location: 19q13.2.
Variant type: single nucleotide variant.
Coding change: c.3320G>T on transcript NM_001042545.2 (MANE Select); coding-DNA position 3320, G replaced by T.
Protein change: p.Gly1107Val; replaces glycine 1107 with valine.
Molecular consequence: missense variant.
Genome position (GRCh38, 1-based): chr19:40,622,503, G>T. VCF-style: chr19-40622503-G-T. GRCh37 (hg19) VCF-style: chr19-41128408-G-T.
Other names: c.3521G>T, p.Gly1174Val (NM_001042544.1); c.3410G>T, p.Gly1137Val (NM_003573.2); short protein forms G1107V, G1137V, G1174V.
Identifiers: ClinVar variation 2775781 (VCV002775781.3), dbSNP rs918016293, ClinGen allele CA405905653.